The following is an entry in ClinVar:

ClinVar aggregate classification (germline): Uncertain significance (1 of 4 stars; one submission).

Conditions:
Early-infantile DEE. Also called: Early infantile epileptic encephalopathy; Ohtahara syndrome; Early infantile epileptic encephalopathy with suppression bursts. Identifiers: Orphanet 1934, MedGen C0393706, MONDO:0800491.

Allele frequency attached by ClinVar (database versions not stated): TOPMed below 0.00001; gnomAD 0.00001.
gnomAD v4.1: 1 of 1,613,920 alleles (0.000062%); highest among the groups gnomAD compares: African/African-American, 0.0013%; no homozygotes.

Submission:

Labcorp Genetics (formerly Invitae), Labcorp
Classification: Uncertain significance for Early-infantile DEE. Last evaluated: 2024-01-29. Review status: criteria provided, single submitter. Criteria: Invitae Variant Classification Sherloc (09022015). Collection method: clinical testing. Allele origin: germline.
Comment: This sequence change replaces glycine, which is neutral and non-polar, with aspartic acid, which is acidic and polar, at codon 2389 of the SPTAN1 protein (p.Gly2389Asp). This variant is not present in population databases (gnomAD no frequency). This variant has not been reported in the literature in individuals affected with SPTAN1-related conditions. ClinVar contains an entry for this variant (Variation ID: 1942923). Advanced modeling of protein sequence and biophysical properties (such as structural, functional, and spatial information, amino acid conservation, physicochemical variation, residue mobility, and thermodynamic stability) has been performed at Invitae for this missense variant, however the output from this modeling did not meet the statistical confidence thresholds required to predict the impact of this variant on SPTAN1 protein function. In summary, the available evidence is currently insufficient to determine the role of this variant in disease. Therefore, it has been classified as a Variant of Uncertain Significance.

NM_001130438.3(SPTAN1):c.7166G>A (p.Gly2389Asp)

Gene: SPTAN1 (spectrin alpha, non-erythrocytic 1; plus strand). Cytogenetic location: 9q34.11.
Variant type: single nucleotide variant.
Coding change: c.7166G>A on transcript NM_001130438.3 (MANE Select); coding-DNA position 7166, G replaced by A.
Protein change: p.Gly2389Asp; replaces glycine 2389 with aspartic acid.
Molecular consequence: missense variant.
Genome position (GRCh38, 1-based): chr9:128,632,813, G>A. VCF-style: chr9-128632813-G-A. GRCh37 (hg19) VCF-style: chr9-131395092-G-A.
Other names: c.7091G>A, p.Gly2364Asp (NM_001195532.2); c.7229G>A, p.Gly2410Asp (NM_001363759.2); c.7106G>A, p.Gly2369Asp (NM_001363765.2, NM_001375314.2); c.7253G>A, p.Gly2418Asp (NM_001375310.1); c.7166G>A, p.Gly2389Asp (NM_001375311.2); c.7202G>A, p.Gly2401Asp (NM_001375312.2); c.7148G>A, p.Gly2383Asp (NM_001375313.1); c.7265G>A, p.Gly2422Asp (NM_001375318.1); and 1 more; short protein forms G2383D, G2418D, G2369D, G2389D, G2401D, G2364D, G2384D, G2410D.
Identifiers: ClinVar variation 1942923 (VCV001942923.5), dbSNP rs1860000191, ClinGen allele CA375101448.